The following is an entry in ClinVar:

NM_002161.6(IARS1):c.2711G>A (p.Arg904His)

Gene: IARS1 (isoleucyl-tRNA synthetase 1; minus strand). Cytogenetic location: 9q22.31.
Variant type: single nucleotide variant.
Coding change: c.2711G>A on transcript NM_002161.6 (MANE Select); coding-DNA position 2711, G replaced by A.
Protein change: p.Arg904His; replaces arginine 904 with histidine.
Molecular consequence: missense variant. On other transcripts: non-coding transcript variant (1).
Genome position (GRCh38, 1-based): chr9:92,247,457, C>T on the plus strand (G>A on the coding strand, the complement: IARS1 is on the minus strand). VCF-style: chr9-92247457-C-T. GRCh37 (hg19) VCF-style: chr9-95009739-C-T.
Other names: c.2636G>A, p.Arg879His (NM_001374299.1, NM_001374300.1, NM_001378584.1); c.2627G>A, p.Arg876His (NM_001374301.1); c.2774G>A, p.Arg925His (NM_001378569.1); c.2732G>A, p.Arg911His (NM_001378571.1); c.2711G>A, p.Arg904His (NM_001378572.1, NM_001378573.1, NM_001378574.1 and 9 more transcripts); c.2615G>A, p.Arg872His (NM_001378582.1); c.2588G>A, p.Arg863His (NM_001378583.1); c.2711G>A (NM_013417.2); short protein forms R872H, R876H, R925H, R879H, R904H, R863H, R911H.
Identifiers: ClinVar variation 1982637 (VCV001982637.5), dbSNP rs190575779, ClinGen allele CA5122114.
Genomic context (GRCh38, chr9:92,247,457, plus strand): 5'-AGCTCCTCACTGCTCAACTGCTTGATGGACGTCATCACTGCCTTAAAGGCTCCCTTCAGA[C>T]GCTTCCCCAGGACCATGTGATCTGGTTCTGCCCTTAGCCGAATGCCATACTTGTTTTTAT-3'
Protein context (NP_002152.2, residues 894-914): AEPDHMVLGK[Arg904His]LKGAFKAVMT

ClinVar aggregate classification (germline): Uncertain significance. Review status: criteria provided, multiple submitters, no conflicts (2 of 4 stars). 2 submissions from 2 submitters: Uncertain significance (2). Last evaluated 2023-04-18.

Allele frequency attached by ClinVar (database versions not stated): gnomAD 0.00002; gnomAD exomes 0.00003; ExAC 0.00004; TOPMed 0.00004; 1000 Genomes Project 0.00020; 1000 Genomes Project 30x 0.00031.
gnomAD v4.1: 46 of 1,614,174 alleles (0.0028%); highest among the groups gnomAD compares: East Asian, 0.071%; no homozygotes.

Submissions (2):

Ambry Genetics
Classification: Uncertain significance. Last evaluated: 2023-04-18. Review status: criteria provided, single submitter. Criteria: Ambry Variant Classification Scheme 2023. Collection method: clinical testing. Allele origin: germline.

Labcorp Genetics (formerly Invitae), Labcorp
Classification: Uncertain significance. Last evaluated: 2022-08-13. Review status: criteria provided, single submitter. Criteria: Invitae Variant Classification Sherloc (09022015). Collection method: clinical testing. Allele origin: germline.
Comment: In summary, the available evidence is currently insufficient to determine the role of this variant in disease. Therefore, it has been classified as a Variant of Uncertain Significance. Algorithms developed to predict the effect of missense changes on protein structure and function are either unavailable or do not agree on the potential impact of this missense change (SIFT: "Deleterious"; PolyPhen-2: "Probably Damaging"; Align-GVGD: "Class C0"). This variant is present in population databases (rs190575779, gnomAD 0.05%). This variant has not been reported in the literature in individuals affected with IARS-related conditions. This sequence change replaces arginine, which is basic and polar, with histidine, which is basic and polar, at codon 904 of the IARS protein (p.Arg904His).